The following is an entry in ClinVar:

ClinVar aggregate classification (germline): Pathogenic (1 of 4 stars; one submission).

Allele frequency attached by ClinVar (database versions not stated): gnomAD 0.00001; TOPMed 0.00001; ExAC 0.00002.

Submission:

GeneDx
Classification: Pathogenic. Last evaluated: 2024-09-10. Review status: criteria provided, single submitter. Criteria: GeneDx Variant Classification Process June 2021. Collection method: clinical testing. Allele origin: germline. Affected: yes.
Comment: Frameshift variant predicted to result in protein truncation or nonsense mediated decay in a gene for which loss of function is a known mechanism of disease; Not observed at significant frequency in large population cohorts (gnomAD); Has not been previously published as pathogenic or benign to our knowledge

NM_017755.6(NSUN2):c.1617_1621dup (p.Pro541fs)

Gene: NSUN2 (NOP2/Sun RNA methyltransferase 2; minus strand). Cytogenetic location: 5p15.31.
Variant type: Duplication.
Coding change: c.1617_1621dup on transcript NM_017755.6 (MANE Select); coding-DNA positions 1617 to 1621, 5 bases duplicated (GGATC; older notation c.1617_1621dupGGATC).
Protein change: p.Pro541fs; shifts the reading frame from proline 541.
Molecular consequence: frameshift variant. On other transcripts: non-coding transcript variant (1).
Genome position (GRCh38, 1-based): chr5:6,605,389-6,605,393, GATCC duplicated on the plus strand (GGATC on the coding strand, the reverse complement: NSUN2 is on the minus strand). VCF-style (leftmost placement, unchanged base first): chr5-6605388-G-GGATCC. GRCh37 (hg19) VCF-style: chr5-6605501-G-GGATCC.
Other names: c.1512_1516dup, p.Pro506fs (NM_001193455.2); short protein forms P506fs, P541fs.
Identifiers: ClinVar variation 2506872 (VCV002506872.2), dbSNP rs765756292, ClinGen allele CA3192370.